The following is an entry in ClinVar:

ClinVar aggregate classification (germline): Likely benign (1 of 4 stars; one submission).

Allele frequency attached by ClinVar (database versions not stated): TOPMed 0.00001; ExAC 0.00005; gnomAD 0.00002; 1000 Genomes Project 30x 0.00016; 1000 Genomes Project 0.00020.
gnomAD v4.1: 30 of 1,551,736 alleles (0.0019%); highest among the groups gnomAD compares: Middle Eastern, 0.033%; no homozygotes.

Submission:

CeGaT Center for Human Genetics Tuebingen
Classification: Likely benign. Last evaluated: 2022-09-01. Review status: criteria provided, single submitter. Criteria: CeGaT Center For Human Genetics Tuebingen Variant Classification Criteria Version 2. Collection method: clinical testing. Allele origin: germline. Affected: yes. Observed: 1 variant allele.
Comment: MBOAT4: BP4, BP7

NM_001100916.2(MBOAT4):c.657C>T (p.Asn219=)

Genes: LEPROTL1 (leptin receptor overlapping transcript like 1; plus strand), MBOAT4 (membrane bound ghrelin O-acyltransferase MBOAT4; minus strand). Cytogenetic location: 8p12.
Variant type: single nucleotide variant.
Coding change: c.657C>T on transcript NM_001100916.2 (MANE Select); coding-DNA position 657, C replaced by T.
Protein change: p.Asn219=; no amino-acid change (asparagine 219 retained).
Molecular consequence: synonymous variant. On other transcripts: intron variant (1).
Genome position (GRCh38, 1-based): chr8:30,132,594, G>A on the plus strand (C>T on the coding strand, the complement: MBOAT4 is on the minus strand). VCF-style: chr8-30132594-G-A. GRCh37 (hg19) VCF-style: chr8-29990110-G-A.
Other names: c.280-4678G>A (NM_001128208.2).
Identifiers: ClinVar variation 2658513 (VCV002658513.22), dbSNP rs192400927, ClinGen allele CA4700214.